The following is an entry in ClinVar:

NM_001128148.3(TFRC):c.239-29A>T

Gene: TFRC (transferrin receptor; minus strand). Cytogenetic location: 3q29.
Variant type: single nucleotide variant.
Coding change: c.239-29A>T on transcript NM_001128148.3 (MANE Select); 29 bases into the intron before coding-DNA position 239, A replaced by T.
Molecular consequence: intron variant.
Genome position (GRCh38, 1-based): chr3:196,074,154, T>A on the plus strand (A>T on the coding strand, the complement: TFRC is on the minus strand). VCF-style: chr3-196074154-T-A. GRCh37 (hg19) VCF-style: chr3-195801025-T-A.
Other names: c.-412-2002A>T (NM_001313966.2); c.-5-29A>T (NM_001313965.2); c.239-29A>T (NM_003234.4).
Identifiers: ClinVar variation 1287037 (VCV001287037.4), dbSNP rs3736651, ClinGen allele CA2778352.
Genomic context (GRCh38, chr3:196,074,154, plus strand): 5'-TTTACAATAGCCCAAGTAGCCAATCATAAATCCTAAAGAGACAAAGTTCCAGAGCTGAAC[T>A]CAGAATTTCATTTGTAATCTATCCCTGTTAATCTGTTAATATTTTCAGGTAAGCCTTGAA-3'

ClinVar aggregate classification (germline): Benign. Review status: criteria provided, multiple submitters, no conflicts (2 of 4 stars). 3 submissions from 3 submitters: Benign (3). Last evaluated 2023-11-12.

Allele frequency attached by ClinVar (database versions not stated): ESP Exome Variant Server 0.05228; gnomAD 0.08129 and 0.09040; TOPMed 0.10802; ExAC 0.12753; gnomAD exomes 0.13591; 1000 Genomes Project 30x 0.21315; 1000 Genomes Project 0.22324.

Submissions (3):

Unidad de Genómica Garrahan, Hospital de Pediatría Garrahan
Classification: Benign. Last evaluated: 2023-11-12. Review status: criteria provided, single submitter. Criteria: ACMG Guidelines, 2015. Collection method: clinical testing. Allele origin: germline. Affected: no. Observed: 30 variant alleles.
Comment: This variant is classified as Benign based on local population frequency. This variant was detected in 31% of patients studied by a panel of primary immunodeficiencies. Number of patients: 30. Only high quality variants are reported.

GeneDx
Classification: Benign. Last evaluated: 2018-11-12. Review status: criteria provided, single submitter. Criteria: GeneDx Variant Classification Process June 2021. Collection method: clinical testing. Allele origin: germline. Affected: yes.

Breakthrough Genomics
Classification: Benign. Review status: criteria provided, single submitter. Criteria: ACMG Guidelines, 2015. Collection method: not provided. Allele origin: germline. Inheritance: Autosomal recessive inheritance. Affected: yes.